The following is an entry in ClinVar:

ClinVar aggregate classification (germline): Uncertain significance. Review status: criteria provided, multiple submitters, no conflicts (2 of 4 stars). 2 submissions from 2 submitters: Uncertain significance (2). Last evaluated 2026-02-17.

Conditions:
Inborn genetic diseases. Identifiers: MedGen C0950123, MeSH D030342.
Charcot-Marie-Tooth disease axonal type 2V. Also called: CHARCOT-MARIE-TOOTH NEUROPATHY, TYPE 2V; CHARCOT-MARIE-TOOTH DISEASE, AXONAL, AUTOSOMAL DOMINANT, TYPE 2V. Identifiers: Orphanet 447964, MedGen C5569050, MONDO:0014665, OMIM 616491.
Mucopolysaccharidosis, MPS-III-B (MPS3B). Also called: N-ACETYL-ALPHA-D-GLUCOSAMINIDASE DEFICIENCY; NAGLU DEFICIENCY; SANFILIPPO SYNDROME B; MPS III B; MUCOPOLYSACCHARIDOSIS, TYPE IIIB; MPS IIIB (Sanfilippo Syndrome Type B). Identifiers: Orphanet 79270, MedGen C0086648, MONDO:0009656, OMIM 252920.

Allele frequency attached by ClinVar (database versions not stated): gnomAD exomes below 0.00001.
gnomAD v4.1: 1 of 1,613,180 alleles (0.000062%); highest among the groups gnomAD compares: Non-Finnish European, 0.000085%; no homozygotes.

Submissions (2):

Ambry Genetics
Classification: Uncertain significance for Inborn genetic diseases. Last evaluated: 2026-02-17. Review status: criteria provided, single submitter. Criteria: Ambry Variant Classification Scheme 2023. Collection method: clinical testing. Allele origin: germline.

Labcorp Genetics (formerly Invitae), Labcorp
Classification: Uncertain significance for Charcot-Marie-Tooth disease axonal type 2V; Mucopolysaccharidosis, MPS-III-B. Last evaluated: 2022-04-13. Review status: criteria provided, single submitter. Criteria: Invitae Variant Classification Sherloc (09022015). Collection method: clinical testing. Allele origin: germline.
Comment: This sequence change replaces alanine, which is neutral and non-polar, with valine, which is neutral and non-polar, at codon 555 of the NAGLU protein (p.Ala555Val). This variant is not present in population databases (gnomAD no frequency). This variant has not been reported in the literature in individuals affected with NAGLU-related conditions. Advanced modeling of protein sequence and biophysical properties (such as structural, functional, and spatial information, amino acid conservation, physicochemical variation, residue mobility, and thermodynamic stability) performed at Invitae indicates that this missense variant is not expected to disrupt NAGLU protein function. In summary, the available evidence is currently insufficient to determine the role of this variant in disease. Therefore, it has been classified as a Variant of Uncertain Significance.

NM_000263.4(NAGLU):c.1664C>T (p.Ala555Val)

Gene: NAGLU (N-acetyl-alpha-glucosaminidase; plus strand). Cytogenetic location: 17q21.2.
Variant type: single nucleotide variant.
Coding change: c.1664C>T on transcript NM_000263.4 (MANE Select); coding-DNA position 1664, C replaced by T.
Protein change: p.Ala555Val; replaces alanine 555 with valine.
Molecular consequence: missense variant.
Genome position (GRCh38, 1-based): chr17:42,543,670, C>T. VCF-style: chr17-42543670-C-T. GRCh37 (hg19) VCF-style: chr17-40695688-C-T.
Other names: c.1664C>T (NM_000263.3); short protein forms A555V.
Identifiers: ClinVar variation 2154534 (VCV002154534.2), dbSNP rs2510660080, ClinGen allele CA399604386.
Genomic context (GRCh38, chr17:42,543,670, plus strand): 5'-ATGTGTTTGAGGCCTGGCGGCTGCTGCTCACATCTGCTCCCTCCCTGGCCACCAGCCCCG[C>T]CTTCCGCTACGACCTGCTGGACCTCACTCGGCAGGCAGTGCAGGAGCTGGTCAGCTTGTA-3'
Protein context (NP_000254.2, residues 545-565): TSAPSLATSP[Ala555Val]FRYDLLDLTR